The following is an entry in ClinVar:

NM_016239.4(MYO15A):c.5649+1_5649+3del

Gene: MYO15A (myosin XVA; plus strand). Cytogenetic location: 17p11.2.
Variant type: Deletion.
Coding change: c.5649+1_5649+3del on transcript NM_016239.4 (MANE Select); the canonical splice donor site of the intron after coding-DNA position 5649 through 3 bases into the intron after coding-DNA position 5649, 3 bases deleted (GTG; older notation c.5649+1_5649+3delGTG).
Molecular consequence: splice donor variant.
Genome position (GRCh38, 1-based): chr17:18,141,771-18,141,773, GTG deleted; deleting any 3 consecutive bases within chr17:18,141,770-18,141,773 gives the same sequence; the c. name uses the placement nearest the transcript's 3' end. VCF-style (leftmost placement, unchanged base first): chr17-18141769-AGGT-A. GRCh37 (hg19) VCF-style: chr17-18045083-AGGT-A.
Identifiers: ClinVar variation 2704875 (VCV002704875.3), dbSNP rs2545258135, ClinGen allele CA2697559462.

ClinVar aggregate classification (germline): Likely pathogenic (1 of 4 stars; one submission).

Submission:

Labcorp Genetics (formerly Invitae), Labcorp
Classification: Likely pathogenic. Last evaluated: 2023-12-29. Review status: criteria provided, single submitter. Criteria: Invitae Variant Classification Sherloc (09022015). Collection method: clinical testing. Allele origin: germline.
Comment: This sequence change affects a splice site in intron 23 of the MYO15A gene. It is expected to disrupt RNA splicing. Variants that disrupt the donor or acceptor splice site typically lead to a loss of protein function (PMID: 16199547), and loss-of-function variants in MYO15A are known to be pathogenic (PMID: 17546645). This variant is not present in population databases (gnomAD no frequency). This variant has not been reported in the literature in individuals affected with MYO15A-related conditions. Algorithms developed to predict the effect of sequence changes on RNA splicing suggest that this variant may disrupt the consensus splice site. In summary, the currently available evidence indicates that the variant is pathogenic, but additional data are needed to prove that conclusively. Therefore, this variant has been classified as Likely Pathogenic.

Literature cited by the submitters: PubMed 16199547; PubMed 17546645.